The following is an entry in ClinVar:

ClinVar aggregate classification (germline): Uncertain significance (1 of 4 stars; one submission).

Conditions:
Autosomal dominant nonsyndromic hearing loss 65. Also called: Deafness, autosomal dominant 65; TBC1D24-Related Autosomal Dominant Nonsyndromic Hearing Loss (DFNA). Identifiers: Orphanet 90635, MedGen C3892048, MONDO:0014470, OMIM 616044.
Developmental and epileptic encephalopathy, 1 (DEE1). Also called: INFANTILE SPASM SYNDROME, X-LINKED 1; X-linked infantile spasms; West's syndrome; Tonic spasms with clustering, arrest of psychomotor development and hypsarrhythmia on EEG; X-Linked Infantile Spasm Syndrome; OHTAHARA SYNDROME, X-LINKED. Identifiers: MedGen C3463992, MONDO:0010632, OMIM 308350. Disease mechanism: loss of function.

Submission:

Labcorp Genetics (formerly Invitae), Labcorp
Classification: Uncertain significance for Developmental and epileptic encephalopathy, 1; Autosomal dominant nonsyndromic hearing loss 65. Last evaluated: 2024-04-25. Review status: criteria provided, single submitter. Criteria: Invitae Variant Classification Sherloc (09022015). Collection method: clinical testing. Allele origin: germline.
Comment: This sequence change replaces methionine, which is neutral and non-polar, with isoleucine, which is neutral and non-polar, at codon 181 of the TBC1D24 protein (p.Met181Ile). This variant is not present in population databases (gnomAD no frequency). This variant has not been reported in the literature in individuals affected with TBC1D24-related conditions. Advanced modeling of protein sequence and biophysical properties (such as structural, functional, and spatial information, amino acid conservation, physicochemical variation, residue mobility, and thermodynamic stability) performed at Invitae indicates that this missense variant is expected to disrupt TBC1D24 protein function with a positive predictive value of 80%. In summary, the available evidence is currently insufficient to determine the role of this variant in disease. Therefore, it has been classified as a Variant of Uncertain Significance.

NM_001199107.2(TBC1D24):c.543G>A (p.Met181Ile)

Gene: TBC1D24 (TBC1 domain family member 24; plus strand). Cytogenetic location: 16p13.3.
Variant type: single nucleotide variant.
Coding change: c.543G>A on transcript NM_001199107.2 (MANE Select); coding-DNA position 543, G replaced by A.
Protein change: p.Met181Ile; replaces methionine 181 with isoleucine.
Molecular consequence: missense variant.
Genome position (GRCh38, 1-based): chr16:2,496,691, G>A. VCF-style: chr16-2496691-G-A. GRCh37 (hg19) VCF-style: chr16-2546692-G-A.
Other names: c.543G>A, p.Met181Ile (NM_020705.3); short protein forms M181I.
Identifiers: ClinVar variation 3750806 (VCV003750806.2).